The following is an entry in ClinVar:

NM_000329.3(RPE65):c.350C>T (p.Ser117Phe)

Gene: RPE65 (retinoid isomerohydrolase RPE65; minus strand). Cytogenetic location: 1p31.3.
Variant type: single nucleotide variant.
Coding change: c.350C>T on transcript NM_000329.3 (MANE Select); coding-DNA position 350, C replaced by T.
Protein change: p.Ser117Phe; replaces serine 117 with phenylalanine.
Molecular consequence: missense variant.
Genome position (GRCh38, 1-based): chr1:68,444,779, G>A on the plus strand (C>T on the coding strand, the complement: RPE65 is on the minus strand). VCF-style: chr1-68444779-G-A. GRCh37 (hg19) VCF-style: chr1-68910462-G-A.
Other names: short protein forms S117F.
Identifiers: ClinVar variation 1065718 (VCV001065718.1), dbSNP rs2100828189, ClinGen allele CA340748086.

ClinVar aggregate classification (germline): Uncertain significance (1 of 4 stars; one submission).

Conditions:
Retinitis pigmentosa 20 (RP20). Identifiers: Orphanet 791, MedGen C3151086, MONDO:0013425, OMIM 613794.

Submission:

Ocular Genomics Institute, Massachusetts Eye and Ear
Classification: Uncertain significance for Retinitis pigmentosa 20. Last evaluated: 2021-04-08. Review status: criteria provided, single submitter. Criteria: ACMG Guidelines, 2015. Collection method: research. Allele origin: germline. Affected: yes.
Comment: Through a review of available evidence we were able to apply the following criteria: PM2. Based on this evidence we have classified this variant as Variant of Uncertain Significance.